The following is an entry in ClinVar:

ClinVar aggregate classification (germline): Uncertain significance (1 of 4 stars; one submission).

Conditions:
Short-rib thoracic dysplasia 7 with or without polydactyly (SRTD7). Also called: Short rib polydactyly syndrome 5; SHORT-RIB THORACIC DYSPLASIA 7 WITH POLYDACTYLY. Identifiers: Orphanet 498497, Orphanet 93271, MedGen C3279792, MONDO:0013569, OMIM 614091.
Cranioectodermal dysplasia 2 (CED2). Identifiers: Orphanet 1515, MedGen C3150874, MONDO:0013323, OMIM 613610.

Allele frequency attached by ClinVar (database versions not stated): gnomAD exomes below 0.00001; ExAC 0.00002; gnomAD 0.00005; TOPMed 0.00006.

Submission:

Labcorp Genetics (formerly Invitae), Labcorp
Classification: Uncertain significance for Cranioectodermal dysplasia 2; Short-rib thoracic dysplasia 7 with or without polydactyly. Last evaluated: 2022-11-01. Review status: criteria provided, single submitter. Criteria: Invitae Variant Classification Sherloc (09022015). Collection method: clinical testing. Allele origin: germline.
Comment: This sequence change falls in intron 13 of the WDR35 gene. It does not directly change the encoded amino acid sequence of the WDR35 protein. It affects a nucleotide within the consensus splice site. This variant is present in population databases (rs779158561, gnomAD 0.02%). This variant has not been reported in the literature in individuals affected with WDR35-related conditions. Variants that disrupt the consensus splice site are a relatively common cause of aberrant splicing (PMID: 17576681, 9536098). Algorithms developed to predict the effect of sequence changes on RNA splicing suggest that this variant is not likely to affect RNA splicing. In summary, the available evidence is currently insufficient to determine the role of this variant in disease. Therefore, it has been classified as a Variant of Uncertain Significance.

Literature cited by the submitters: PubMed 17576681; PubMed 9536098.

NM_020779.4(WDR35):c.1400+6del

Gene: WDR35 (WD repeat domain 35; minus strand). Cytogenetic location: 2p24.1.
Variant type: Deletion.
Coding change: c.1400+6del on transcript NM_020779.4 (MANE Select); 6 bases into the intron after coding-DNA position 1400, one base deleted (T; older notation c.1400+6delT).
Molecular consequence: intron variant.
Genome position (GRCh38, 1-based): chr2:19,953,828, A deleted on the plus strand (T on the coding strand, the reverse complement: WDR35 is on the minus strand). VCF-style (leftmost placement, unchanged base first): chr2-19953827-GA-G. GRCh37 (hg19) VCF-style: chr2-20153588-GA-G.
Other names: c.1433+6del (NM_001006657.2).
Identifiers: ClinVar variation 1985216 (VCV001985216.4), dbSNP rs779158561, ClinGen allele CA1543243.